The following is an entry in ClinVar:

ClinVar aggregate classification (germline): Uncertain significance (1 of 4 stars; one submission).

Allele frequency attached by ClinVar (database versions not stated): gnomAD exomes below 0.00001; TOPMed below 0.00001; gnomAD 0.00001.
gnomAD v4.1: 6 of 1,593,490 alleles (0.00038%); highest among the groups gnomAD compares: Non-Finnish European, 0.00043%; no homozygotes.

Submission:

Labcorp Genetics (formerly Invitae), Labcorp
Classification: Uncertain significance. Last evaluated: 2023-08-22. Review status: criteria provided, single submitter. Criteria: Invitae Variant Classification Sherloc (09022015). Collection method: clinical testing. Allele origin: germline.
Comment: An algorithm developed to predict the effect of missense changes on protein structure and function (PolyPhen-2) suggests that this variant¬†is likely to be tolerated. In summary, the available evidence is currently insufficient to determine the role of this variant in disease. Therefore, it has been classified as a Variant of Uncertain Significance. ClinVar contains an entry for this variant (Variation ID: 1934245). This variant has not been reported in the literature in individuals affected with CCDC88A-related conditions. This variant is not present in population databases (gnomAD no frequency). This sequence change replaces glutamine, which is neutral and polar, with lysine, which is basic and polar, at codon 386 of the CCDC88A protein (p.Gln386Lys).

NM_001365480.1(CCDC88A):c.1156C>A (p.Gln386Lys)

Gene: CCDC88A (coiled-coil domain containing 88A; minus strand). Cytogenetic location: 2p16.1.
Variant type: single nucleotide variant.
Coding change: c.1156C>A on transcript NM_001365480.1 (MANE Select); coding-DNA position 1156, C replaced by A.
Protein change: p.Gln386Lys; replaces glutamine 386 with lysine.
Molecular consequence: missense variant.
Genome position (GRCh38, 1-based): chr2:55,344,400, G>T on the plus strand (C>A on the coding strand, the complement: CCDC88A is on the minus strand). VCF-style: chr2-55344400-G-T. GRCh37 (hg19) VCF-style: chr2-55571536-G-T.
Other names: c.1156C>A, p.Gln386Lys (NM_001135597.2, NM_001254943.2, NM_018084.5); short protein forms Q386K.
Identifiers: ClinVar variation 1934245 (VCV001934245.4), dbSNP rs1668852201, ClinGen allele CA346905958.
Genomic context (GRCh38, chr2:55,344,400, plus strand): 5'-TGTAACTGATCTACCTCTTAAAACTTACCATTTCCATATCATGAAGTTTAGCTTTCAGTT[G>T]TAAGTTCTCTTTTTCTAATTCATGTAATTTATCAGAACGAGCACGAGTTCCCTCTAGTTG-3'
Protein context (NP_001352409.1, residues 376-396): KLHELEKENL[Gln386Lys]LKAKLHDMEM